The following is an entry in ClinVar:

NM_014727.3(KMT2B):c.2934_2951del (p.Gly979_Cys984del)

Gene: KMT2B (lysine methyltransferase 2B; plus strand). Cytogenetic location: 19q13.12.
Variant type: Deletion.
Coding change: c.2934_2951del on transcript NM_014727.3 (MANE Select); coding-DNA positions 2934 to 2951, 18 bases deleted (TGGGTCCTGTGTCAACTG).
Protein change: p.Gly979_Cys984del.
Molecular consequence: inframe deletion.
Genome position (GRCh38, 1-based): chr19:35,723,206-35,723,223, TGGGTCCTGTGTCAACTG deleted; deleting any 18 consecutive bases within chr19:35,723,202-35,723,223 gives the same sequence; the c. name uses the placement nearest the transcript's 3' end. VCF-style (leftmost placement, unchanged base first): chr19-35723201-GACTGTGGGTCCTGTGTCA-G. GRCh37 (hg19) VCF-style: chr19-36214103-GACTGTGGGTCCTGTGTCA-G.
Identifiers: ClinVar variation 2066789 (VCV002066789.4), dbSNP rs2513323496, ClinGen allele CA2580096950.

ClinVar aggregate classification (germline): Uncertain significance (1 of 4 stars; one submission).

Submission:

Labcorp Genetics (formerly Invitae), Labcorp
Classification: Uncertain significance. Last evaluated: 2022-07-06. Review status: criteria provided, single submitter. Criteria: Invitae Variant Classification Sherloc (09022015). Collection method: clinical testing. Allele origin: germline.
Comment: In summary, the available evidence is currently insufficient to determine the role of this variant in disease. Therefore, it has been classified as a Variant of Uncertain Significance. Experimental studies and prediction algorithms are not available or were not evaluated, and the functional significance of this variant is currently unknown. This variant has not been reported in the literature in individuals affected with KMT2B-related conditions. This variant is not present in population databases (gnomAD no frequency). This variant, c.2934_2951del, results in the deletion of 6 amino acid(s) of the KMT2B protein (p.Gly979_Cys984del), but otherwise preserves the integrity of the reading frame.